The following is an entry in ClinVar:

NM_001330700.2(TOP2B):c.3962C>G (p.Ser1321Cys)

Gene: TOP2B (DNA topoisomerase II beta; minus strand). Cytogenetic location: 3p24.2.
Variant type: single nucleotide variant.
Coding change: c.3962C>G on transcript NM_001330700.2 (MANE Select); coding-DNA position 3962, C replaced by G.
Protein change: p.Ser1321Cys; replaces serine 1321 with cysteine.
Molecular consequence: missense variant.
Genome position (GRCh38, 1-based): chr3:25,609,314, G>C on the plus strand (C>G on the coding strand, the complement: TOP2B is on the minus strand). VCF-style: chr3-25609314-G-C. GRCh37 (hg19) VCF-style: chr3-25650805-G-C.
Other names: c.3947C>G, p.Ser1316Cys (NM_001068.3); short protein forms S1321C, S1316C.
Identifiers: ClinVar variation 2986381 (VCV002986381.3), dbSNP rs756849814, ClinGen allele CA2288181.

ClinVar aggregate classification (germline): Uncertain significance (1 of 4 stars; one submission).

Allele frequency attached by ClinVar (database versions not stated): gnomAD 0.00001; TOPMed 0.00001; ExAC 0.00005.
gnomAD v4.1: 50 of 1,596,908 alleles (0.0031%); highest among the groups gnomAD compares: Admixed American, 0.01%; no homozygotes.

Submission:

Labcorp Genetics (formerly Invitae), Labcorp
Classification: Uncertain significance. Last evaluated: 2023-08-02. Review status: criteria provided, single submitter. Criteria: Invitae Variant Classification Sherloc (09022015). Collection method: clinical testing. Allele origin: germline.
Comment: This sequence change replaces serine, which is neutral and polar, with cysteine, which is neutral and slightly polar, at codon 1316 of the TOP2B protein (p.Ser1316Cys). In summary, the available evidence is currently insufficient to determine the role of this variant in disease. Therefore, it has been classified as a Variant of Uncertain Significance. An algorithm developed to predict the effect of missense changes on protein structure and function (PolyPhen-2) suggests that this variant is likely to be disruptive. This variant has not been reported in the literature in individuals affected with TOP2B-related conditions. This variant is present in population databases (rs756849814, gnomAD 0.01%).